The following is an entry in ClinVar:

NM_000179.3(MSH6):c.2971C>T (p.Pro991Ser)

Gene: MSH6 (mutS homolog 6; plus strand). Cytogenetic location: 2p16.3.
Variant type: single nucleotide variant.
Coding change: c.2971C>T on transcript NM_000179.3 (MANE Select); coding-DNA position 2971, C replaced by T.
Protein change: p.Pro991Ser; replaces proline 991 with serine.
Molecular consequence: missense variant.
Genome position (GRCh38, 1-based): chr2:47,800,954, C>T. VCF-style: chr2-47800954-C-T. GRCh37 (hg19) VCF-style: chr2-48028093-C-T.
Other names: c.2581C>T, p.Pro861Ser (NM_001281492.2); c.2065C>T, p.Pro689Ser (NM_001281493.2, NM_001281494.2); short protein forms P689S, P991S, P861S.
Identifiers: ClinVar variation 1406417 (VCV001406417.5), dbSNP rs764249869, ClinGen allele CA346756325.

ClinVar aggregate classification (germline): Uncertain significance (1 of 4 stars; one submission).

Conditions:
Hereditary nonpolyposis colorectal neoplasms. Identifiers: MedGen C0009405, MeSH D003123.

gnomAD v4.1: 1 of 1,568,140 alleles (0.000064%); no homozygotes.

Submission:

Labcorp Genetics (formerly Invitae), Labcorp
Classification: Uncertain significance for Hereditary nonpolyposis colorectal neoplasms. Last evaluated: 2021-09-01. Review status: criteria provided, single submitter. Criteria: Invitae Variant Classification Sherloc (09022015). Collection method: clinical testing. Allele origin: germline.
Comment: This sequence change replaces proline with serine at codon 991 of the MSH6 protein (p.Pro991Ser). The proline residue is highly conserved and there is a moderate physicochemical difference between proline and serine. This variant is not present in population databases (ExAC no frequency). This variant has not been reported in the literature in individuals affected with MSH6-related conditions. Advanced modeling of protein sequence and biophysical properties (such as structural, functional, and spatial information, amino acid conservation, physicochemical variation, residue mobility, and thermodynamic stability) performed at Invitae indicates that this missense variant is expected to disrupt MSH6 protein function. In summary, the available evidence is currently insufficient to determine the role of this variant in disease. Therefore, it has been classified as a Variant of Uncertain Significance.